The following is an entry in ClinVar:

ClinVar aggregate classification (germline): Conflicting classifications of pathogenicity. Review status: criteria provided, conflicting classifications (1 of 4 stars). 3 submissions from 3 submitters: Uncertain significance (1); Likely benign (1). 1 of the submissions does not count toward it. Last evaluated 2025-01-15.

Conditions:
Retinal dystrophy. Also called: Inherited retinal dystrophy. Identifiers: Orphanet 71862, MedGen C0854723, MeSH D058499, MONDO:0019118, HP:0000556.

Allele frequency attached by ClinVar (database versions not stated): ExAC 0.00004; gnomAD 0.00004 and 0.00008; ESP Exome Variant Server 0.00008; gnomAD exomes 0.00008 and 0.00011; TOPMed 0.00011; 1000 Genomes Project 30x 0.00016; 1000 Genomes Project 0.00020.
gnomAD v4.1: 170 of 1,614,016 alleles (0.011%); highest among the groups gnomAD compares: East Asian, 0.029%; no homozygotes.

Submissions (3):

Labcorp Genetics (formerly Invitae), Labcorp
Classification: Uncertain significance. Last evaluated: 2025-01-15. Review status: criteria provided, single submitter. Criteria: Invitae Variant Classification Sherloc (09022015). Collection method: clinical testing. Allele origin: germline.
Comment: This sequence change replaces threonine, which is neutral and polar, with methionine, which is neutral and non-polar, at codon 216 of the KIAA1549 protein (p.Thr216Met). This variant is present in population databases (rs145518942, gnomAD 0.04%). This variant has not been reported in the literature in individuals affected with KIAA1549-related conditions. ClinVar contains an entry for this variant (Variation ID: 1016618). An algorithm developed to predict the effect of missense changes on protein structure and function outputs the following: PolyPhen-2: "Benign". The methionine amino acid residue is found in multiple mammalian species, which suggests that this missense change does not adversely affect protein function. In summary, the available evidence is currently insufficient to determine the role of this variant in disease. Therefore, it has been classified as a Variant of Uncertain Significance.

Blueprint Genetics
Classification: Likely benign. Last evaluated: 2022-10-28. Review status: criteria provided, single submitter. Criteria: ACMG Guidelines, 2015. Collection method: clinical testing. Allele origin: germline.

Institute of Human Genetics, Univ. Regensburg, Univ. Regensburg
Classification: Uncertain significance for Retinal dystrophy. Last evaluated: 2022-01-01. Review status: no assertion criteria provided. Criteria: ACMG Guidelines, 2015. Collection method: clinical testing. Allele origin: germline. Affected: yes. Not counted in ClinVar's aggregate classification.

NM_001164665.2(KIAA1549):c.647C>T (p.Thr216Met)

Gene: KIAA1549 (KIAA1549; minus strand). Cytogenetic location: 7q34.
Variant type: single nucleotide variant.
Coding change: c.647C>T on transcript NM_001164665.2 (MANE Select); coding-DNA position 647, C replaced by T.
Protein change: p.Thr216Met; replaces threonine 216 with methionine.
Molecular consequence: missense variant.
Genome position (GRCh38, 1-based): chr7:138,918,979, G>A on the plus strand (C>T on the coding strand, the complement: KIAA1549 is on the minus strand). VCF-style: chr7-138918979-G-A. GRCh37 (hg19) VCF-style: chr7-138603725-G-A.
Other names: c.647C>T, p.Thr216Met (NM_020910.3); short protein forms T216M.
Identifiers: ClinVar variation 1016618 (VCV001016618.7), dbSNP rs145518942, ClinGen allele CA4506904.